The following is an entry in ClinVar:

ClinVar aggregate classification (germline): Uncertain significance. Review status: criteria provided, multiple submitters, no conflicts (2 of 4 stars). 2 submissions from 2 submitters: Uncertain significance (2). Last evaluated 2026-01-11.

Conditions:
Inborn genetic diseases. Identifiers: MedGen C0950123, MeSH D030342.

Allele frequency attached by ClinVar (database versions not stated): ExAC 0.00001; gnomAD exomes 0.00001 and 0.00002.
gnomAD v4.1: 28 of 1,611,964 alleles (0.0017%); highest among the groups gnomAD compares: Admixed American, 0.0033%; no homozygotes.

Submissions (2):

Labcorp Genetics (formerly Invitae), Labcorp
Classification: Uncertain significance. Last evaluated: 2026-01-11. Review status: criteria provided, single submitter. Criteria: Invitae Variant Classification Sherloc (09022015). Collection method: clinical testing. Allele origin: germline.
Comment: This sequence change replaces lysine, which is basic and polar, with asparagine, which is neutral and polar, at codon 2631 of the FAT4 protein (p.Lys2631Asn). This variant is present in population databases (rs763676237, gnomAD 0.003%). This variant has not been reported in the literature in individuals affected with FAT4-related conditions. ClinVar contains an entry for this variant (Variation ID: 1349120). Invitae Evidence Modeling of protein sequence and biophysical properties (such as structural, functional, and spatial information, amino acid conservation, physicochemical variation, residue mobility, and thermodynamic stability) indicates that this missense variant is not expected to disrupt FAT4 protein function with a negative predictive value of 80%. In summary, the available evidence is currently insufficient to determine the role of this variant in disease. Therefore, it has been classified as a Variant of Uncertain Significance.

Ambry Genetics
Classification: Uncertain significance for Inborn genetic diseases. Last evaluated: 2024-12-16. Review status: criteria provided, single submitter. Criteria: Ambry Variant Classification Scheme 2023. Collection method: clinical testing. Allele origin: germline.

NM_001291303.3(FAT4):c.7899G>T (p.Lys2633Asn)

Gene: FAT4 (FAT atypical cadherin 4; plus strand). Cytogenetic location: 4q28.1.
Variant type: single nucleotide variant.
Coding change: c.7899G>T on transcript NM_001291303.3 (MANE Select); coding-DNA position 7899, G replaced by T.
Protein change: p.Lys2633Asn; replaces lysine 2633 with asparagine.
Molecular consequence: missense variant.
Genome position (GRCh38, 1-based): chr4:125,448,909, G>T. VCF-style: chr4-125448909-G-T. GRCh37 (hg19) VCF-style: chr4-126370064-G-T.
Other names: c.7899G>T, p.Lys2633Asn (NM_001291285.3); c.7893G>T, p.Lys2631Asn (NM_024582.6); c.7893G>T (NM_024582.4); short protein forms K2633N, K2631N.
Identifiers: ClinVar variation 1349120 (VCV001349120.7), dbSNP rs763676237, ClinGen allele CA3073274.